The following is an entry in ClinVar:

NM_001376232.1(ZP2):c.1505-7A>G

Gene: ZP2 (zona pellucida glycoprotein 2; minus strand). Cytogenetic location: 16p12.2.
Variant type: single nucleotide variant.
Coding change: c.1505-7A>G on transcript NM_001376232.1 (MANE Select); 7 bases into the intron before coding-DNA position 1505, A replaced by G.
Molecular consequence: intron variant.
Genome position (GRCh38, 1-based): chr16:21,201,565, T>C on the plus strand (A>G on the coding strand, the complement: ZP2 is on the minus strand). VCF-style: chr16-21201565-T-C. GRCh37 (hg19) VCF-style: chr16-21212886-T-C.
Other names: c.1478-7A>G (NM_001376231.1); c.1505-7A>G (NM_001376233.1, NM_003460.2).
Identifiers: ClinVar variation 5005542 (VCV005005542.2).

ClinVar aggregate classification (germline): Uncertain significance (1 of 4 stars; one submission).

Conditions:
Oocyte maturation defect 6. Also called: OOCYTE/ZYGOTE/EMBRYO MATURATION ARREST 6. Identifiers: MedGen C5193047, MONDO:0032696, OMIM 618353.

Submission:

Juno Genomics, Hangzhou Juno Genomics, Inc
Classification: Uncertain significance for Oocyte maturation defect 6. Review status: criteria provided, single submitter. Criteria: ACMG Guidelines, 2015. Collection method: clinical testing. Allele origin: germline.
Comment: Absent from controls (or at extremely low frequency if recessive) in Genome Aggregation Database.;Multiple lines of computational evidence support a deleterious effect on the gene or gene product.